The following is an entry in ClinVar:

ClinVar aggregate classification (germline): Uncertain significance. Review status: criteria provided, single submitter (1 of 4 stars). 2 submissions from 2 submitters: Uncertain significance (1). 1 of the submissions does not count toward it. Last evaluated 2026-05-22.

Conditions:
Ellis-van Creveld syndrome (EVC). Also called: MESOECTODERMAL DYSPLASIA; Chondroectodermal dysplasia. Identifiers: Orphanet 289, MedGen C0013903, MONDO:0009162, OMIM 225500.

Submissions (2):

Women's Health and Genetics/Laboratory Corporation of America, LabCorp
Classification: Uncertain significance. Last evaluated: 2026-05-22. Review status: criteria provided, single submitter. Criteria: LabCorp Variant Classification Summary - May 2015. Collection method: clinical testing. Allele origin: germline.
Comment: Variant summary: EVC c.266A>G (p.Glu89Gly) results in a non-conservative amino acid change in the encoded protein sequence. Algorithms developed to predict the effect of missense changes on protein structure and function are either unavailable or do not agree on the potential impact of this missense change. The variant was absent in 251442 control chromosomes. The available data on variant occurrences in the general population are insufficient to allow any conclusion about variant significance. To our knowledge, no occurrence of c.266A>G in individuals affected with EVC-related conditions and no experimental evidence demonstrating its impact on protein function have been reported. ClinVar contains an entry for this variant (Variation ID: 4067528). Based on the evidence outlined above, the variant was classified as uncertain significance.

Natera, Inc.
Classification: Uncertain significance for Ellis-van Creveld syndrome. Last evaluated: 2025-03-23. Review status: no assertion criteria provided. Collection method: clinical testing. Allele origin: germline. Not counted in ClinVar's aggregate classification.

NM_153717.3(EVC):c.266A>G (p.Glu89Gly)

Gene: EVC (EvC ciliary complex subunit 1; plus strand). Cytogenetic location: 4p16.2.
Variant type: single nucleotide variant.
Coding change: c.266A>G on transcript NM_153717.3 (MANE Select); coding-DNA position 266, A replaced by G.
Protein change: p.Glu89Gly; replaces glutamic acid 89 with glycine.
Molecular consequence: missense variant.
Genome position (GRCh38, 1-based): chr4:5,719,339, A>G. VCF-style: chr4-5719339-A-G. GRCh37 (hg19) VCF-style: chr4-5721066-A-G.
Other names: c.266A>G, p.Glu89Gly (NM_001306090.2, NM_001306092.2); short protein forms E89G.
Identifiers: ClinVar variation 4067528 (VCV004067528.2).